The following is an entry in ClinVar:

ClinVar aggregate classification (germline): Uncertain significance (1 of 4 stars; one submission).

gnomAD v4.1: 1 of 1,614,026 alleles (0.000062%); highest among the groups gnomAD compares: Admixed American, 0.0017%; no homozygotes.

Submission:

Ambry Genetics
Classification: Uncertain significance. Last evaluated: 2025-01-19. Review status: criteria provided, single submitter. Criteria: Ambry Variant Classification Scheme 2023. Collection method: clinical testing. Allele origin: germline.
Comment: The p.V513I variant (also known as c.1537G>A), located in coding exon 2 of the CDK12 gene, results from a G to A substitution at nucleotide position 1537. The valine at codon 513 is replaced by isoleucine, an amino acid with highly similar properties. This amino acid position is conserved. In addition, this alteration is predicted to be tolerated by in silico analysis. Based on the available evidence, the clinical significance of this variant remains unclear.

NM_016507.4(CDK12):c.1537G>A (p.Val513Ile)

Gene: CDK12 (cyclin dependent kinase 12; plus strand). Cytogenetic location: 17q12.
Variant type: single nucleotide variant.
Coding change: c.1537G>A on transcript NM_016507.4 (MANE Select); coding-DNA position 1537, G replaced by A.
Protein change: p.Val513Ile; replaces valine 513 with isoleucine.
Molecular consequence: missense variant.
Genome position (GRCh38, 1-based): chr17:39,471,369, G>A. VCF-style: chr17-39471369-G-A. GRCh37 (hg19) VCF-style: chr17-37627622-G-A.
Other names: c.1537G>A, p.Val513Ile (NM_015083.4); short protein forms V513I.
Identifiers: ClinVar variation 3830539 (VCV003830539.1).